The following is an entry in ClinVar:

ClinVar aggregate classification (germline): Uncertain significance (1 of 4 stars; one submission).

Conditions:
Hereditary cancer-predisposing syndrome. Also called: Neoplastic Syndromes, Hereditary; Tumor predisposition; Hereditary Cancer Syndrome; Hereditary neoplastic syndrome. Identifiers: Orphanet 140162, MedGen C0027672, MeSH D009386, MONDO:0015356.

Submission:

Color Diagnostics, LLC DBA Color Health
Classification: Uncertain significance for Hereditary cancer-predisposing syndrome. Last evaluated: 2024-06-24. Review status: criteria provided, single submitter. Criteria: ACMG Guidelines, 2015. Collection method: clinical testing. Allele origin: germline.
Comment: This missense variant replaces lysine with glutamic acid at codon 950 of the BRIP1 protein. Computational prediction suggests that this variant may not impact protein structure and function (internally defined REVEL score threshold <= 0.5, PMID: 27666373). To our knowledge, functional studies have not been reported for this variant. This variant has not been reported in individuals affected with BRIP1-related disorders in the literature. This variant has not been identified in the general population by the Genome Aggregation Database (gnomAD). The available evidence is insufficient to determine the role of this variant in disease conclusively. Therefore, this variant is classified as a Variant of Uncertain Significance.

NM_032043.3(BRIP1):c.2848A>G (p.Lys950Glu)

Gene: BRIP1 (BRCA1 interacting DNA helicase 1; minus strand). Cytogenetic location: 17q23.2.
Variant type: single nucleotide variant.
Coding change: c.2848A>G on transcript NM_032043.3 (MANE Select); coding-DNA position 2848, A replaced by G.
Protein change: p.Lys950Glu; replaces lysine 950 with glutamic acid.
Molecular consequence: missense variant.
Genome position (GRCh38, 1-based): chr17:61,685,893, T>C on the plus strand (A>G on the coding strand, the complement: BRIP1 is on the minus strand). VCF-style: chr17-61685893-T-C. GRCh37 (hg19) VCF-style: chr17-59763254-T-C.
Other names: short protein forms K950E.
Identifiers: ClinVar variation 3893939 (VCV003893939.1).